The following is an entry in ClinVar:

NM_000937.5(POLR2A):c.1195A>G (p.Ile399Val)

Gene: POLR2A (RNA polymerase II subunit A; plus strand). Cytogenetic location: 17p13.1.
Variant type: single nucleotide variant.
Coding change: c.1195A>G on transcript NM_000937.5 (MANE Select); coding-DNA position 1195, A replaced by G.
Protein change: p.Ile399Val; replaces isoleucine 399 with valine.
Molecular consequence: missense variant.
Genome position (GRCh38, 1-based): chr17:7,497,863, A>G. VCF-style: chr17-7497863-A-G. GRCh37 (hg19) VCF-style: chr17-7401182-A-G.
Other names: short protein forms I399V.
Identifiers: ClinVar variation 1520534 (VCV001520534.8), dbSNP rs1206233486, ClinGen allele CA397869936.

ClinVar aggregate classification (germline): Uncertain significance. Review status: criteria provided, multiple submitters, no conflicts (2 of 4 stars). 2 submissions from 2 submitters: Uncertain significance (2). Last evaluated 2021-03-27.

Conditions:
Neurodevelopmental disorder with hypotonia and variable intellectual and behavioral abnormalities. Identifiers: MedGen C5231423, MONDO:0032829, OMIM 618603.

Allele frequency attached by ClinVar (database versions not stated): TOPMed 0.00001.

Submissions (2):

Labcorp Genetics (formerly Invitae), Labcorp
Classification: Uncertain significance. Last evaluated: 2021-03-27. Review status: criteria provided, single submitter. Criteria: Invitae Variant Classification Sherloc (09022015). Collection method: clinical testing. Allele origin: germline.
Comment: This variant is not present in population databases (ExAC no frequency). In summary, the available evidence is currently insufficient to determine the role of this variant in disease. Therefore, it has been classified as a Variant of Uncertain Significance. Algorithms developed to predict the effect of missense changes on protein structure and function (SIFT, PolyPhen-2, Align-GVGD) all suggest that this variant is likely to be tolerated, but these predictions have not been confirmed by published functional studies and their clinical significance is uncertain. This variant has not been reported in the literature in individuals with POLR2A-related conditions. This sequence change replaces isoleucine with valine at codon 399 of the POLR2A protein (p.Ile399Val). The isoleucine residue is moderately conserved and there is a small physicochemical difference between isoleucine and valine.

Juno Genomics, Hangzhou Juno Genomics, Inc
Classification: Uncertain significance for Neurodevelopmental disorder with hypotonia and variable intellectual and behavioral abnormalities. Review status: criteria provided, single submitter. Criteria: ACMG Guidelines, 2015. Collection method: clinical testing. Allele origin: germline.
Comment: Absent from controls (or at extremely low frequency if recessive) in Genome Aggregation Database.;Missense variant in a gene that has a low rate of benign missense variation.